The following is an entry in ClinVar:

NM_018834.6(MATR3):c.946A>G (p.Ser316Gly)

Gene: MATR3 (matrin 3; plus strand). Cytogenetic location: 5q31.2.
Variant type: single nucleotide variant.
Coding change: c.946A>G on transcript NM_018834.6 (MANE Select); coding-DNA position 946, A replaced by G.
Protein change: p.Ser316Gly; replaces serine 316 with glycine.
Molecular consequence: missense variant. On other transcripts: 5 prime UTR variant (6), intron variant (2).
Genome position (GRCh38, 1-based): chr5:139,314,708, A>G. VCF-style: chr5-139314708-A-G. GRCh37 (hg19) VCF-style: chr5-138650397-A-G.
Other names: c.946A>G, p.Ser316Gly (NM_001194954.2, NM_001194955.2, NM_001400441.1 and 16 more transcripts); c.82A>G, p.Ser28Gly (NM_001194956.2); c.-69A>G (NM_001282278.2, NM_001400460.1, NM_001400463.1 and 3 more transcripts); c.85A>G, p.Ser29Gly (NM_001400459.1); c.46A>G, p.Ser16Gly (NM_001400461.1); c.-40-989A>G (NM_001400462.1, NM_001400467.1); short protein forms S28G, S29G, S316G, S16G.
Identifiers: ClinVar variation 3665879 (VCV003665879.2).

ClinVar aggregate classification (germline): Uncertain significance (1 of 4 stars; one submission).

Conditions:
Amyotrophic lateral sclerosis type 21. Also called: VOCAL CORD AND PHARYNGEAL DYSFUNCTION WITH DISTAL MYOPATHY; MYOPATHY, DISTAL, 2. Identifiers: Orphanet 600, Orphanet 803, MedGen C3807521, MONDO:0011632, OMIM 606070.

gnomAD v4.1: 5 of 1,613,888 alleles (0.00031%); highest among the groups gnomAD compares: Non-Finnish European, 0.00042%; no homozygotes.

Submission:

Labcorp Genetics (formerly Invitae), Labcorp
Classification: Uncertain significance for Amyotrophic lateral sclerosis type 21. Last evaluated: 2025-01-28. Review status: criteria provided, single submitter. Criteria: Invitae Variant Classification Sherloc (09022015). Collection method: clinical testing. Allele origin: germline.
Comment: This sequence change replaces serine, which is neutral and polar, with glycine, which is neutral and non-polar, at codon 316 of the MATR3 protein (p.Ser316Gly). This variant is present in population databases (no rsID available, gnomAD 0.0009%). This variant has not been reported in the literature in individuals affected with MATR3-related conditions. Invitae Evidence Modeling of protein sequence and biophysical properties (such as structural, functional, and spatial information, amino acid conservation, physicochemical variation, residue mobility, and thermodynamic stability) indicates that this missense variant is not expected to disrupt MATR3 protein function with a negative predictive value of 80%. In summary, the available evidence is currently insufficient to determine the role of this variant in disease. Therefore, it has been classified as a Variant of Uncertain Significance.